The following is an entry in ClinVar:

NM_006031.6(PCNT):c.8843C>T (p.Pro2948Leu)

Gene: PCNT (pericentrin; plus strand). Cytogenetic location: 21q22.3.
Variant type: single nucleotide variant.
Coding change: c.8843C>T on transcript NM_006031.6 (MANE Select); coding-DNA position 8843, C replaced by T.
Protein change: p.Pro2948Leu; replaces proline 2948 with leucine.
Molecular consequence: missense variant.
Genome position (GRCh38, 1-based): chr21:46,435,995, C>T. VCF-style: chr21-46435995-C-T. GRCh37 (hg19) VCF-style: chr21-47855908-C-T.
Other names: c.8252C>T, p.Pro2751Leu (NM_001315529.2); short protein forms P2751L, P2948L.
Identifiers: ClinVar variation 3351807 (VCV003351807.2).

ClinVar aggregate classification (germline): Uncertain significance. Review status: criteria provided, single submitter (1 of 4 stars). 2 submissions from 2 submitters: Uncertain significance (1). 1 of the submissions does not count toward it. Last evaluated 2026-08-31.

Conditions:
Inborn genetic diseases. Identifiers: MedGen C0950123, MeSH D030342.
PCNT-related disorder. Also called: PCNT-related condition.

gnomAD v4.1: 15 of 1,614,060 alleles (0.00093%); highest among the groups gnomAD compares: African/African-American, 0.02%; no homozygotes.

Submissions (2):

Ambry Genetics
Classification: Uncertain significance for Inborn genetic diseases. Last evaluated: 2026-08-31. Review status: criteria provided, single submitter. Criteria: Ambry Variant Classification Scheme 2023. Collection method: clinical testing. Allele origin: germline.
Comment: The c.8843C>T (p.P2948L) alteration is located in exon 39 (coding exon 39) of the PCNT gene. This alteration results from a C to T substitution at nucleotide position 8843, causing the proline (P) at amino acid position 2948 to be replaced by a leucine (L). Based on data from gnomAD, the T allele has an overall frequency of 0.001% (3/282488) total alleles studied. The highest observed frequency was 0.012% (3/24948) of African alleles. Based on insufficient or conflicting evidence, the clinical significance of this alteration remains unclear.

PreventionGenetics, part of Exact Sciences
Classification: Uncertain significance for PCNT-related condition. Last evaluated: 2024-05-17. Review status: no assertion criteria provided. Collection method: clinical testing. Allele origin: germline. Not counted in ClinVar's aggregate classification.
Comment: The PCNT c.8843C>T variant is predicted to result in the amino acid substitution p.Pro2948Leu. To our knowledge, this variant has not been reported in the literature. This variant is reported in 0.012% of alleles in individuals of African descent in gnomAD. At this time, the clinical significance of this variant is uncertain due to the absence of conclusive functional and genetic evidence.